The following is an entry in ClinVar:

ClinVar aggregate classification (germline): Uncertain significance (1 of 4 stars; one submission).

Allele frequency attached by ClinVar (database versions not stated): gnomAD exomes 0.00001; TOPMed 0.00001.
gnomAD v4.1: 6 of 1,613,760 alleles (0.00037%); highest among the groups gnomAD compares: East Asian, 0.0067%; no homozygotes.

Submission:

Labcorp Genetics (formerly Invitae), Labcorp
Classification: Uncertain significance. Last evaluated: 2025-07-29. Review status: criteria provided, single submitter. Criteria: Invitae Variant Classification Sherloc (09022015). Collection method: clinical testing. Allele origin: germline.
Comment: This sequence change replaces glycine, which is neutral and non-polar, with arginine, which is basic and polar, at codon 245 of the DSG1 protein (p.Gly245Arg). This variant is present in population databases (no rsID available, gnomAD 0.003%). This variant has not been reported in the literature in individuals affected with DSG1-related conditions. ClinVar contains an entry for this variant (Variation ID: 1902511). Invitae Evidence Modeling of protein sequence and biophysical properties (such as structural, functional, and spatial information, amino acid conservation, physicochemical variation, residue mobility, and thermodynamic stability) indicates that this missense variant is not expected to disrupt DSG1 protein function with a negative predictive value of 80%. In summary, the available evidence is currently insufficient to determine the role of this variant in disease. Therefore, it has been classified as a Variant of Uncertain Significance.

NM_001942.4(DSG1):c.733G>A (p.Gly245Arg)

Gene: DSG1 (desmoglein 1; plus strand). Cytogenetic location: 18q12.1.
Variant type: single nucleotide variant.
Coding change: c.733G>A on transcript NM_001942.4 (MANE Select); coding-DNA position 733, G replaced by A.
Protein change: p.Gly245Arg; replaces glycine 245 with arginine.
Molecular consequence: missense variant.
Genome position (GRCh38, 1-based): chr18:31,333,637, G>A. VCF-style: chr18-31333637-G-A. GRCh37 (hg19) VCF-style: chr18-28913600-G-A.
Other names: short protein forms G245R.
Identifiers: ClinVar variation 1902511 (VCV001902511.5), dbSNP rs1185847460, ClinGen allele CA402130212.